The following is an entry in ClinVar:

ClinVar aggregate classification (germline): Benign (1 of 4 stars; one submission).

gnomAD v4.1: 336 of 398,608 alleles (0.084%); highest among the groups gnomAD compares: African/African-American, 0.57%; 2 homozygotes.

Submission:

CeGaT Center for Human Genetics Tuebingen
Classification: Benign. Last evaluated: 2024-12-01. Review status: criteria provided, single submitter. Criteria: CeGaT Center For Human Genetics Tuebingen Variant Classification Criteria Version 2. Collection method: clinical testing. Allele origin: germline. Affected: yes. Observed: 1 variant allele.
Comment: KCNQ1OT1: BS1, BS2

NM_000218.3(KCNQ1):c.1393+29804T>A

Genes: KCNQ1 (potassium voltage-gated channel subfamily Q member 1; plus strand), KCNQ1OT1 (KCNQ1 opposite strand/antisense transcript 1; minus strand). Cytogenetic location: 11p15.5.
Variant type: single nucleotide variant.
Coding change: c.1393+29804T>A on transcript NM_000218.3 (MANE Select); 29804 bases into the intron after coding-DNA position 1393, T replaced by A.
Molecular consequence: intron variant. On other transcripts: non-coding transcript variant (1).
Genome position (GRCh38, 1-based): chr11:2,618,658, T>A. VCF-style: chr11-2618658-T-A. GRCh37 (hg19) VCF-style: chr11-2639888-T-A.
Other names: c.1123+29804T>A (NM_001406837.1); c.1297+29804T>A (NM_001406836.1); c.853+29804T>A (NM_001406838.1); c.1012+29804T>A (NM_181798.2).
Identifiers: ClinVar variation 3389310 (VCV003389310.14).